The following is an entry in ClinVar:

ClinVar aggregate classification (germline): Pathogenic (1 of 4 stars; one submission).

Conditions:
Kleefstra syndrome 1 (KLEFS1). Identifiers: Orphanet 261494, MedGen C0795833, MONDO:0027407, OMIM 610253.

Submission:

Laboratory of Genetics, Children's Clinical University Hospital Latvia
Classification: Pathogenic for Kleefstra syndrome 1. Review status: criteria provided, single submitter. Criteria: ACMG Guidelines, 2015. Collection method: curation. Allele origin: de novo. Affected: yes.
Comment: de novo

Literature cited by the submitters: PubMed 39013458.

NM_024757.5(EHMT1):c.244del (p.Gln82fs)

Gene: EHMT1 (euchromatic histone lysine methyltransferase 1; plus strand). Cytogenetic location: 9q34.3.
Variant type: Deletion.
Coding change: c.244del on transcript NM_024757.5 (MANE Select); coding-DNA position 244, one base deleted (C; older notation c.244delC).
Protein change: p.Gln82fs; shifts the reading frame from glutamine 82.
Molecular consequence: frameshift variant.
Genome position (GRCh38, 1-based): chr9:137,716,784, C deleted; the last of 5 consecutive C bases (chr9:137,716,780-137,716,784); deleting any one gives the same sequence. VCF-style (leftmost placement, unchanged base first): chr9-137716779-AC-A. GRCh37 (hg19) VCF-style: chr9-140611231-AC-A.
Other names: c.244del, p.Gln82fs (NM_001145527.2, NM_001354263.2, NM_001354611.2); c.151del, p.Gln51fs (NM_001354259.2, NM_001354612.2); short protein forms Q51fs, Q82fs.
Identifiers: ClinVar variation 3236868 (VCV003236868.1).